The following is an entry in ClinVar:

NM_006793.5(PRDX3):c.619C>T (p.Arg207Ter)

Gene: PRDX3 (peroxiredoxin 3; minus strand). Cytogenetic location: 10q26.11.
Variant type: single nucleotide variant.
Coding change: c.619C>T on transcript NM_006793.5 (MANE Select); coding-DNA position 619, C replaced by T.
Protein change: p.Arg207Ter; replaces arginine 207 with a stop codon.
Molecular consequence: nonsense. On other transcripts: non-coding transcript variant (4), intron variant (1).
Genome position (GRCh38, 1-based): chr10:119,169,275, G>A on the plus strand (C>T on the coding strand, the complement: PRDX3 is on the minus strand). VCF-style: chr10-119169275-G-A. GRCh37 (hg19) VCF-style: chr10-120928787-G-A.
Other names: c.552-742C>T (NM_001302272.2); short protein forms R207*.
Identifiers: ClinVar variation 4686789 (VCV004686789.1).

ClinVar aggregate classification (germline): Pathogenic (1 of 4 stars; one submission).

gnomAD v4.1: 16 of 1,613,794 alleles (0.00099%); highest among the groups gnomAD compares: East Asian, 0.016%; no homozygotes.

Submission:

GeneDx
Classification: Pathogenic. Last evaluated: 2025-07-22. Review status: criteria provided, single submitter. Criteria: GeneDx Variant Classification Process June 2021. Collection method: clinical testing. Allele origin: germline. Affected: yes.
Comment: Nonsense variant predicted to result in protein truncation or nonsense mediated decay in a gene for which loss of function is a known mechanism of disease; Not observed at significant frequency in large population cohorts (gnomAD); This variant is associated with the following publications: (PMID: 37553955, 37731903)